The following is an entry in ClinVar:

NM_015338.6(ASXL1):c.2270A>G (p.Gln757Arg)

Gene: ASXL1 (ASXL transcriptional regulator 1; plus strand). Cytogenetic location: 20q11.21.
Variant type: single nucleotide variant.
Coding change: c.2270A>G on transcript NM_015338.6 (MANE Select); coding-DNA position 2270, A replaced by G.
Protein change: p.Gln757Arg; replaces glutamine 757 with arginine.
Molecular consequence: missense variant.
Genome position (GRCh38, 1-based): chr20:32,434,982, A>G. VCF-style: chr20-32434982-A-G. GRCh37 (hg19) VCF-style: chr20-31022785-A-G.
Other names: c.2087A>G, p.Gln696Arg (NM_001363734.1); short protein forms Q757R, Q696R.
Identifiers: ClinVar variation 3793645 (VCV003793645.1).

ClinVar aggregate classification (germline): Uncertain significance (1 of 4 stars; one submission).

Conditions:
Inborn genetic diseases. Identifiers: MedGen C0950123, MeSH D030342.

Submission:

Ambry Genetics
Classification: Uncertain significance for Inborn genetic diseases. Last evaluated: 2025-02-20. Review status: criteria provided, single submitter. Criteria: Ambry Variant Classification Scheme 2023. Collection method: clinical testing. Allele origin: germline.
Comment: The p.Q757R variant (also known as c.2270A>G), located in coding exon 13 of the ASXL1 gene, results from an A to G substitution at nucleotide position 2270. The glutamine at codon 757 is replaced by arginine, an amino acid with highly similar properties. This amino acid position is conserved. In addition, this alteration is predicted to be tolerated by in silico analysis. Based on the available evidence, the clinical significance of this variant remains unclear.